The following is an entry in ClinVar:

ClinVar aggregate classification (germline): Benign/Likely benign. Review status: criteria provided, multiple submitters, no conflicts (2 of 4 stars). 7 submissions from 7 submitters: Benign (2); Likely benign (5). Last evaluated 2026-01-31.

Conditions:
Hereditary cancer-predisposing syndrome. Also called: Neoplastic Syndromes, Hereditary; Hereditary Cancer Syndrome; Hereditary neoplastic syndrome; Tumor predisposition. Identifiers: Orphanet 140162, MedGen C0027672, MeSH D009386, MONDO:0015356.
Hereditary leiomyomatosis and renal cell cancer. Also called: MULTIPLE CUTANEOUS AND UTERINE LEIOMYOMATA 1, WITH OR WITHOUT RENAL CELL CARCINOMA; Familial leiomyomatosis; LEIOMYOMA, MULTIPLE CUTANEOUS; FH tumor predisposition syndrome; Multiple cutaneous leiomyomas; Reed syndrome. Identifiers: Orphanet 523, MedGen C1708350, MONDO:0007888, OMIM 150800, HP:0007437. Disease mechanism: loss of function.

Allele frequency attached by ClinVar (database versions not stated): gnomAD 0.00001 and 0.00005; TOPMed 0.00002; gnomAD exomes 0.00011 and 0.00020; 1000 Genomes Project 30x 0.00016; ExAC 0.00019; 1000 Genomes Project 0.00020.
gnomAD v4.1: 171 of 1,613,642 alleles (0.011%); highest among the groups gnomAD compares: South Asian, 0.17%; 1 homozygote.

Submissions (7):

Labcorp Genetics (formerly Invitae), Labcorp
Classification: Likely benign. Last evaluated: 2026-01-31. Review status: criteria provided, single submitter. Criteria: Invitae Variant Classification Sherloc (09022015). Collection method: clinical testing. Allele origin: germline.

Quest Diagnostics Nichols Institute San Juan Capistrano
Classification: Benign. Last evaluated: 2025-10-15. Review status: criteria provided, single submitter. Criteria: Quest Diagnostics criteria. Collection method: clinical testing. Allele origin: unknown.

Myriad Genetics, Inc.
Classification: Benign for Hereditary leiomyomatosis and renal cell cancer. Last evaluated: 2024-10-21. Review status: criteria provided, single submitter. Criteria: Myriad Autosomal Dominant, Autosomal Recessive and X-Linked Classification Criteria (2023). Collection method: clinical testing. Allele origin: unknown.
Comment: This variant is considered benign. This variant is a silent/synonymous amino acid change and it is not expected to impact splicing.

KCCC/NGS Laboratory, Kuwait Cancer Control Center
Classification: Likely benign for Hereditary leiomyomatosis and renal cell cancer. Last evaluated: 2023-07-07. Review status: criteria provided, single submitter. Criteria: ACMG Guidelines, 2015. Collection method: clinical testing. Allele origin: germline. Affected: yes.

Sema4
Classification: Likely benign for Hereditary cancer-predisposing syndrome. Last evaluated: 2021-12-16. Review status: criteria provided, single submitter. Criteria: Sema4 Curation Guidelines. Collection method: curation. Allele origin: germline.

GeneDx
Classification: Likely benign. Last evaluated: 2020-12-03. Review status: criteria provided, single submitter. Criteria: GeneDx Variant Classification Process June 2021. Collection method: clinical testing. Allele origin: germline. Affected: yes.

Ambry Genetics
Classification: Likely benign for Hereditary cancer-predisposing syndrome. Last evaluated: 2019-10-10. Review status: criteria provided, single submitter. Criteria: Ambry Variant Classification Scheme 2023. Collection method: clinical testing. Allele origin: germline.

NM_000143.4(FH):c.1308G>A (p.Val436=)

Gene: FH (fumarate hydratase; minus strand). Cytogenetic location: 1q43.
Variant type: single nucleotide variant.
Coding change: c.1308G>A on transcript NM_000143.4 (MANE Select); coding-DNA position 1308, G replaced by A.
Protein change: p.Val436=; no amino-acid change (valine 436 retained).
Molecular consequence: synonymous variant.
Genome position (GRCh38, 1-based): chr1:241,500,519, C>T on the plus strand (G>A on the coding strand, the complement: FH is on the minus strand). VCF-style: chr1-241500519-C-T. GRCh37 (hg19) VCF-style: chr1-241663819-C-T.
Identifiers: ClinVar variation 413607 (VCV000413607.19), dbSNP rs201535626, ClinGen allele CA1478481.
Genomic context (GRCh38, chr1:241,500,519, plus strand): 5'-CACCAACATTAGAGACTCATTCATCAGCTTGTTGATCCTTTCTGTATTGGCCTGGATTCC[C>T]ACCACGCAGTTTTCTGTAAAGGAAACTGAAGCATCCCCCAGCAGCCTGGCTGAGTGTAAC-3'
Protein context (NP_000134.2, residues 426-446): ASVSFTENCV[Val436=]GIQANTERIN